The following is an entry in ClinVar:

NM_005732.4(RAD50):c.2678A>C (p.Glu893Ala)

Gene: RAD50 (RAD50 double strand break repair protein; plus strand). Cytogenetic location: 5q31.1.
Variant type: single nucleotide variant.
Coding change: c.2678A>C on transcript NM_005732.4 (MANE Select); coding-DNA position 2678, A replaced by C.
Protein change: p.Glu893Ala; replaces glutamic acid 893 with alanine.
Molecular consequence: missense variant.
Genome position (GRCh38, 1-based): chr5:132,604,959, A>C. VCF-style: chr5-132604959-A-C. GRCh37 (hg19) VCF-style: chr5-131940651-A-C.
Other names: short protein forms E893A.
Identifiers: ClinVar variation 1464686 (VCV001464686.8), dbSNP rs1750958325, ClinGen allele CA360956847.

ClinVar aggregate classification (germline): Uncertain significance (1 of 4 stars; one submission).

Conditions:
Hereditary cancer-predisposing syndrome. Also called: Tumor predisposition; Hereditary neoplastic syndrome; Hereditary Cancer Syndrome; Neoplastic Syndromes, Hereditary. Identifiers: Orphanet 140162, MedGen C0027672, MeSH D009386, MONDO:0015356.

Submission:

Labcorp Genetics (formerly Invitae), Labcorp
Classification: Uncertain significance for Hereditary cancer-predisposing syndrome. Last evaluated: 2021-06-21. Review status: criteria provided, single submitter. Criteria: Invitae Variant Classification Sherloc (09022015). Collection method: clinical testing. Allele origin: germline.
Comment: In summary, the available evidence is currently insufficient to determine the role of this variant in disease. Therefore, it has been classified as a Variant of Uncertain Significance. Algorithms developed to predict the effect of missense changes on protein structure and function (SIFT, PolyPhen-2, Align-GVGD) all suggest that this variant is likely to be tolerated, but these predictions have not been confirmed by published functional studies and their clinical significance is uncertain. This variant has not been reported in the literature in individuals with RAD50-related conditions. This variant is not present in population databases (ExAC no frequency). This sequence change replaces glutamic acid with alanine at codon 893 of the RAD50 protein (p.Glu893Ala). The glutamic acid residue is moderately conserved and there is a moderate physicochemical difference between glutamic acid and alanine.